The following is an entry in ClinVar:

ClinVar aggregate classification (germline): Uncertain significance. Review status: criteria provided, multiple submitters, no conflicts (2 of 4 stars). 2 submissions from 2 submitters: Uncertain significance (2). Last evaluated 2026-07-07.

Conditions:
Saldino-Mainzer syndrome (SRTD9). Also called: SHORT-RIB THORACIC DYSPLASIA 9 WITHOUT POLYDACTYLY; CONORENAL SYNDROME; Renal dysplasia, retinal pigmentary dystrophy, cerebellar ataxia and skeletal dysplasia; short-rib thoracic dysplasia 9 with or without polydactyly. Identifiers: Orphanet 140969, MedGen C1849437, MONDO:0009964, OMIM 266920.
Inborn genetic diseases. Identifiers: MedGen C0950123, MeSH D030342.

Allele frequency attached by ClinVar (database versions not stated): gnomAD exomes below 0.00001.
gnomAD v4.1: 7 of 1,609,374 alleles (0.00043%); highest among the groups gnomAD compares: Non-Finnish European, 0.00051%; no homozygotes.

Submissions (2):

Ambry Genetics
Classification: Uncertain significance for Inborn genetic diseases. Last evaluated: 2026-07-07. Review status: criteria provided, single submitter. Criteria: Ambry Variant Classification Scheme 2023. Collection method: clinical testing. Allele origin: germline.

Labcorp Genetics (formerly Invitae), Labcorp
Classification: Uncertain significance for Saldino-Mainzer syndrome. Last evaluated: 2025-06-23. Review status: criteria provided, single submitter. Criteria: Invitae Variant Classification Sherloc (09022015). Collection method: clinical testing. Allele origin: germline.
Comment: This sequence change replaces glutamic acid, which is acidic and polar, with aspartic acid, which is acidic and polar, at codon 1169 of the IFT140 protein (p.Glu1169Asp). This variant is not present in population databases (gnomAD no frequency). This variant has not been reported in the literature in individuals affected with IFT140-related conditions. ClinVar contains an entry for this variant (Variation ID: 1469331). Invitae Evidence Modeling of protein sequence and biophysical properties (such as structural, functional, and spatial information, amino acid conservation, physicochemical variation, residue mobility, and thermodynamic stability) indicates that this missense variant is not expected to disrupt IFT140 protein function with a negative predictive value of 95%. In summary, the available evidence is currently insufficient to determine the role of this variant in disease. Therefore, it has been classified as a Variant of Uncertain Significance.

NM_014714.4(IFT140):c.3507G>C (p.Glu1169Asp)

Gene: IFT140 (intraflagellar transport 140; minus strand). Cytogenetic location: 16p13.3.
Variant type: single nucleotide variant.
Coding change: c.3507G>C on transcript NM_014714.4 (MANE Select); coding-DNA position 3507, G replaced by C.
Protein change: p.Glu1169Asp; replaces glutamic acid 1169 with aspartic acid.
Molecular consequence: missense variant.
Genome position (GRCh38, 1-based): chr16:1,520,755, C>G on the plus strand (G>C on the coding strand, the complement: IFT140 is on the minus strand). VCF-style: chr16-1520755-C-G. GRCh37 (hg19) VCF-style: chr16-1570756-C-G.
Other names: c.3507G>C (NM_014714.3); short protein forms E1169D.
Identifiers: ClinVar variation 1469331 (VCV001469331.10), dbSNP rs1480279504, ClinGen allele CA394225008.